The following is an entry in ClinVar:

ClinVar aggregate classification (germline): Uncertain significance. Review status: criteria provided, multiple submitters, no conflicts (2 of 4 stars). 2 submissions from 2 submitters: Uncertain significance (2). Last evaluated 2025-08-22.

Conditions:
Fabry disease. Also called: Fabry's disease; ALPHA-GALACTOSIDASE A DEFICIENCY; ANDERSON-FABRY DISEASE; Ceramide trihexosidosis; CERAMIDE TRIHEXOSIDASE DEFICIENCY; GLA DEFICIENCY. Identifiers: Orphanet 324, MedGen C0002986, MONDO:0010526, OMIM 301500, HP:0001071. Disease mechanism: Fabry disease is due to inactivating mutations in the X-linked GLA gene resulting in deficiency of the enzyme Alpha Galactosidase-A., loss of function.

gnomAD v4.1: 1 of 1,210,003 alleles (0.000083%); highest among the groups gnomAD compares: East Asian, 0.003%; no homozygotes.

Submissions (2):

Color Diagnostics, LLC DBA Color Health
Classification: Uncertain significance for Fabry disease. Last evaluated: 2025-08-22. Review status: criteria provided, single submitter. Criteria: ACMG Guidelines, 2015. Collection method: clinical testing. Allele origin: germline.
Comment: This missense variant replaces glycine with alanine at codon 11 of the GLA protein. Computational prediction suggests that this variant may not impact protein structure and function. To our knowledge, functional studies have not been reported for this variant. This variant has not been reported in individuals affected with GLA-related disorders in the literature. This variant has been identified in 3/205274 chromosomes in the general population by the Genome Aggregation Database (gnomAD). The available evidence is insufficient to determine the role of this variant in disease conclusively. Therefore, this variant is classified as a Variant of Uncertain Significance.

Labcorp Genetics (formerly Invitae), Labcorp
Classification: Uncertain significance for Fabry disease. Last evaluated: 2022-04-13. Review status: criteria provided, single submitter. Criteria: Invitae Variant Classification Sherloc (09022015). Collection method: clinical testing. Allele origin: germline.
Comment: This sequence change replaces glycine, which is neutral and non-polar, with alanine, which is neutral and non-polar, at codon 11 of the GLA protein (p.Gly11Ala). This variant is present in population databases (rs782498765, gnomAD 0.02%). This variant has not been reported in the literature in individuals affected with GLA-related conditions. Algorithms developed to predict the effect of missense changes on protein structure and function (SIFT, PolyPhen-2, Align-GVGD) all suggest that this variant is likely to be tolerated. In summary, the available evidence is currently insufficient to determine the role of this variant in disease. Therefore, it has been classified as a Variant of Uncertain Significance.

NM_000169.3(GLA):c.32G>C (p.Gly11Ala)

Genes: GLA (galactosidase alpha; minus strand), RPL36A-HNRNPH2 (RPL36A-HNRNPH2 readthrough; plus strand). Cytogenetic location: Xq22.1.
Variant type: single nucleotide variant.
Coding change: c.32G>C on transcript NM_000169.3 (MANE Select); coding-DNA position 32, G replaced by C.
Protein change: p.Gly11Ala; replaces glycine 11 with alanine.
Molecular consequence: missense variant. On other transcripts: non-coding transcript variant (3), intron variant (2).
Genome position (GRCh38, 1-based): chrX:101,407,872, C>G on the plus strand (G>C on the coding strand, the complement: GLA is on the minus strand). VCF-style: chrX-101407872-C-G. GRCh37 (hg19) VCF-style: chrX-100662860-C-G.
Other names: c.32G>C, p.Gly11Ala (NM_001406747.1, NM_001406748.1, NM_001406749.1); c.301-4064C>G (NM_001199973.2); c.178-4064C>G (NM_001199974.2); short protein forms G11A.
Identifiers: ClinVar variation 1901770 (VCV001901770.3), dbSNP rs782498765, ClinGen allele CA030516.
Genomic context (GRCh38, chrX:101,407,872, plus strand): 5'-GCTCTAGCCCCAGGGATGTCCCAGGAAACGAGGGCCAGGAAGCGAAGCGCAAGCGCGCAG[C>G]CCAGATGTAGTTCTGGGTTCCTCAGCTGCATTGTCACGGTGACCGGACAGCATAAATTTC-3'
Protein context (NP_000160.1, residues 1-21): MQLRNPELHL[Gly11Ala]CALALRFLAL